The following is an entry in ClinVar:

NM_021729.6(VPS11):c.383G>T (p.Cys128Phe)

Gene: VPS11 (VPS11 core subunit of CORVET and HOPS complexes; plus strand). Cytogenetic location: 11q23.3.
Variant type: single nucleotide variant.
Coding change: c.383G>T on transcript NM_021729.6 (MANE Select); coding-DNA position 383, G replaced by T.
Protein change: p.Cys128Phe; replaces cysteine 128 with phenylalanine.
Molecular consequence: missense variant. On other transcripts: non-coding transcript variant (7).
Genome position (GRCh38, 1-based): chr11:119,069,488, G>T. VCF-style: chr11-119069488-G-T. GRCh37 (hg19) VCF-style: chr11-118940198-G-T.
Other names: c.353G>T, p.Cys118Phe (NM_001290185.2); c.395G>T, p.Cys132Phe (NM_001378218.1); c.383G>T, p.Cys128Phe (NM_001378219.1, NM_001378220.1); c.365G>T, p.Cys122Phe (NM_001378221.1); short protein forms C128F, C132F, C118F, C122F.
Identifiers: ClinVar variation 1920661 (VCV001920661.5), dbSNP rs782436895, ClinGen allele CA382963414.

ClinVar aggregate classification (germline): Uncertain significance (1 of 4 stars; one submission).

Allele frequency attached by ClinVar (database versions not stated): gnomAD exomes below 0.00001.

Submission:

Labcorp Genetics (formerly Invitae), Labcorp
Classification: Uncertain significance. Last evaluated: 2023-08-04. Review status: criteria provided, single submitter. Criteria: Invitae Variant Classification Sherloc (09022015). Collection method: clinical testing. Allele origin: germline.
Comment: ClinVar contains an entry for this variant (Variation ID: 1920661). Advanced modeling of protein sequence and biophysical properties (such as structural, functional, and spatial information, amino acid conservation, physicochemical variation, residue mobility, and thermodynamic stability) has been performed at Invitae for this missense variant, however the output from this modeling did not meet the statistical confidence thresholds required to predict the impact of this variant on VPS11 protein function. In summary, the available evidence is currently insufficient to determine the role of this variant in disease. Therefore, it has been classified as a Variant of Uncertain Significance. This variant has not been reported in the literature in individuals affected with VPS11-related conditions. This variant is present in population databases (no rsID available, gnomAD 0.003%). This sequence change replaces cysteine, which is neutral and slightly polar, with phenylalanine, which is neutral and non-polar, at codon 128 of the VPS11 protein (p.Cys128Phe).